The following is an entry in ClinVar:

NM_018297.4(NGLY1):c.218A>G (p.Glu73Gly)

Gene: NGLY1 (N-glycanase 1; minus strand). Cytogenetic location: 3p24.2.
Variant type: single nucleotide variant.
Coding change: c.218A>G on transcript NM_018297.4 (MANE Select); coding-DNA position 218, A replaced by G.
Protein change: p.Glu73Gly; replaces glutamic acid 73 with glycine.
Molecular consequence: missense variant.
Genome position (GRCh38, 1-based): chr3:25,778,602, T>C on the plus strand (A>G on the coding strand, the complement: NGLY1 is on the minus strand). VCF-style: chr3-25778602-T-C. GRCh37 (hg19) VCF-style: chr3-25820093-T-C.
Other names: c.218A>G, p.Glu73Gly (NM_001145293.2, NM_001145295.2); c.92A>G, p.Glu31Gly (NM_001145294.2); short protein forms E73G, E31G.
Identifiers: ClinVar variation 838550 (VCV000838550.7), dbSNP rs1708258319, ClinGen allele CA351910973.

ClinVar aggregate classification (germline): Uncertain significance (1 of 4 stars; one submission).

Conditions:
Congenital disorder of deglycosylation (CDDG). Identifiers: MedGen C3808991, MONDO:0031376.

Submission:

Labcorp Genetics (formerly Invitae), Labcorp
Classification: Uncertain significance for Congenital disorder of deglycosylation. Last evaluated: 2020-01-03. Review status: criteria provided, single submitter. Criteria: Invitae Variant Classification Sherloc (09022015). Collection method: clinical testing. Allele origin: germline.
Comment: This variant has not been reported in the literature in individuals with NGLY1-related conditions. In summary, the available evidence is currently insufficient to determine the role of this variant in disease. Therefore, it has been classified as a Variant of Uncertain Significance. Algorithms developed to predict the effect of missense changes on protein structure and function are either unavailable or do not agree on the potential impact of this missense change (SIFT: "Deleterious"; PolyPhen-2: "Possibly Damaging"; Align-GVGD: "Class C0"). This variant is not present in population databases (ExAC no frequency). This sequence change replaces glutamic acid with glycine at codon 73 of the NGLY1 protein (p.Glu73Gly). The glutamic acid residue is moderately conserved and there is a moderate physicochemical difference between glutamic acid and glycine.